The following is an entry in ClinVar:

ClinVar aggregate classification (germline): Uncertain significance (1 of 4 stars; one submission).

gnomAD v4.1: 1 of 1,613,866 alleles (0.000062%); no homozygotes.

Submission:

GeneDx
Classification: Uncertain significance. Last evaluated: 2025-06-12. Review status: criteria provided, single submitter. Criteria: GeneDx Variant Classification Process June 2021. Collection method: clinical testing. Allele origin: germline. Affected: yes.
Comment: Not observed at significant frequency in large population cohorts (gnomAD); In silico analysis suggests that this missense variant does not alter protein structure/function; This variant is associated with the following publications: (PMID: 36964972)

NM_000426.4(LAMA2):c.7652A>T (p.Asn2551Ile)

Gene: LAMA2 (laminin subunit alpha 2; plus strand). Cytogenetic location: 6q22.33.
Variant type: single nucleotide variant.
Coding change: c.7652A>T on transcript NM_000426.4 (MANE Select); coding-DNA position 7652, A replaced by T.
Protein change: p.Asn2551Ile; replaces asparagine 2551 with isoleucine.
Molecular consequence: missense variant.
Genome position (GRCh38, 1-based): chr6:129,481,342, A>T. VCF-style: chr6-129481342-A-T. GRCh37 (hg19) VCF-style: chr6-129802487-A-T.
Other names: c.7640A>T, p.Asn2547Ile (NM_001079823.2); short protein forms N2547I, N2551I.
Identifiers: ClinVar variation 4537916 (VCV004537916.1).